The following is an entry in ClinVar:

ClinVar aggregate classification (germline): Pathogenic (1 of 4 stars; one submission).

Conditions:
Primary ciliary dyskinesia. Also called: Ciliary dyskinesia. Identifiers: Orphanet 244, MedGen C0008780, MONDO:0016575, HP:0012265.

Submission:

Labcorp Genetics (formerly Invitae), Labcorp
Classification: Pathogenic for Primary ciliary dyskinesia. Last evaluated: 2023-09-20. Review status: criteria provided, single submitter. Criteria: Invitae Variant Classification Sherloc (09022015). Collection method: clinical testing. Allele origin: germline.
Comment: This premature translational stop signal has been observed in individual(s) with primary ciliary dyskinesia (PMID: 21131972). ClinVar contains an entry for this variant (Variation ID: 2203463). For these reasons, this variant has been classified as Pathogenic. This sequence change creates a premature translational stop signal (p.Tyr163Valfs*6) in the CCDC39 gene. It is expected to result in an absent or disrupted protein product. Loss-of-function variants in CCDC39 are known to be pathogenic (PMID: 21131972, 23255504). This variant is not present in population databases (gnomAD no frequency).

Literature cited by the submitters: PubMed 21131972; PubMed 23255504.

NM_181426.2(CCDC39):c.485dup (p.Tyr163fs)

Gene: CCDC39 (coiled-coil domain 39 molecular ruler complex subunit; minus strand). Cytogenetic location: 3q26.33.
Variant type: Duplication.
Coding change: c.485dup on transcript NM_181426.2 (MANE Select); coding-DNA position 485, one base duplicated (A; older notation c.485dupA).
Protein change: p.Tyr163fs; shifts the reading frame from tyrosine 163.
Molecular consequence: frameshift variant.
Genome position (GRCh38, 1-based): chr3:180,660,601, T duplicated on the plus strand (A on the coding strand, the reverse complement: CCDC39 is on the minus strand); the first of 2 consecutive T bases (chr3:180,660,601-180,660,602); duplicating either gives the same sequence. VCF-style (leftmost placement, unchanged base first): chr3-180660600-C-CT. GRCh37 (hg19) VCF-style: chr3-180378388-C-CT.
Other names: short protein forms Y163fs.
Identifiers: ClinVar variation 2203463 (VCV002203463.4), dbSNP rs2473824869, ClinGen allele CA2497028987.
Genomic context (GRCh38, chr3:180,660,600, plus strand): 5'-ACCTAACAGTTACAATTTGTAATTTCTCACCCTGATTTTATTATCATCTTGTTGTGCATA[C>CT]TTCTGGAGAGTGAGAGCATCACTATCTTTATGAGCTGATTCTTCTAACCAGGCCTCCAAT-3'